The following is an entry in ClinVar:

ClinVar aggregate classification (germline): Uncertain significance (1 of 4 stars; one submission).

Conditions:
Hyperekplexia 2 (HKPX2). Identifiers: Orphanet 3197, MedGen C3553291, MONDO:0013828, OMIM 614619.

Submission:

Labcorp Genetics (formerly Invitae), Labcorp
Classification: Uncertain significance for Hyperekplexia 2. Last evaluated: 2022-06-13. Review status: criteria provided, single submitter. Criteria: Invitae Variant Classification Sherloc (09022015). Collection method: clinical testing. Allele origin: germline.
Comment: In summary, the available evidence is currently insufficient to determine the role of this variant in disease. Therefore, it has been classified as a Variant of Uncertain Significance. Advanced modeling of protein sequence and biophysical properties (such as structural, functional, and spatial information, amino acid conservation, physicochemical variation, residue mobility, and thermodynamic stability) performed at Invitae indicates that this missense variant is not expected to disrupt GLRB protein function. ClinVar contains an entry for this variant (Variation ID: 1008174). This variant has not been reported in the literature in individuals affected with GLRB-related conditions. This variant is not present in population databases (gnomAD no frequency). This sequence change replaces lysine, which is basic and polar, with glutamine, which is neutral and polar, at codon 76 of the GLRB protein (p.Lys76Gln).

NM_000824.5(GLRB):c.226A>C (p.Lys76Gln)

Gene: GLRB (glycine receptor beta; plus strand). Cytogenetic location: 4q32.1.
Variant type: single nucleotide variant.
Coding change: c.226A>C on transcript NM_000824.5 (MANE Select); coding-DNA position 226, A replaced by C.
Protein change: p.Lys76Gln; replaces lysine 76 with glutamine.
Molecular consequence: missense variant.
Genome position (GRCh38, 1-based): chr4:157,120,659, A>C. VCF-style: chr4-157120659-A-C. GRCh37 (hg19) VCF-style: chr4-158041811-A-C.
Other names: c.226A>C, p.Lys76Gln (NM_001166060.2, NM_001166061.2); short protein forms K76Q.
Identifiers: ClinVar variation 1008174 (VCV001008174.8), dbSNP rs1735782307, ClinGen allele CA358641817.